The following is an entry in ClinVar:

NM_003036.4(SKI):c.1421C>T (p.Pro474Leu)

Gene: SKI (SKI proto-oncogene; plus strand). Cytogenetic location: 1p36.32.
Variant type: single nucleotide variant.
Coding change: c.1421C>T on transcript NM_003036.4 (MANE Select); coding-DNA position 1421, C replaced by T.
Protein change: p.Pro474Leu; replaces proline 474 with leucine.
Molecular consequence: missense variant.
Genome position (GRCh38, 1-based): chr1:2,304,049, C>T. VCF-style: chr1-2304049-C-T. GRCh37 (hg19) VCF-style: chr1-2235488-C-T.
Other names: short protein forms P474L.
Identifiers: ClinVar variation 451213 (VCV000451213.2), dbSNP rs1553200918, ClinGen allele CA337956674.

ClinVar aggregate classification (germline): Uncertain significance (1 of 4 stars; one submission).

Submission:

GeneDx
Classification: Uncertain significance. Last evaluated: 2017-08-08. Review status: criteria provided, single submitter. Criteria: GeneDx Variant Classification (06012015). Collection method: clinical testing. Allele origin: germline. Affected: yes.
Comment: A variant of uncertain significance has been identified in the SKI gene. The P474L variant has not been published as pathogenic or been reported as benign to our knowledge. This variant is not observed in large population cohorts (Lek et al., 2016; 1000 Genomes Consortium et al., 2015; Exome Variant Server). The P474L variant is a semi-conservative amino acid substitution, which may impact secondary protein structure as these residues differ in some properties. However, this substitution occurs at a position that is not conserved across species. Finally, in silico analysis suggests that this variant likely does not alter the protein structure/function.